The following is an entry in ClinVar:

NM_019892.6(INPP5E):c.66G>C (p.Thr22=)

Gene: INPP5E (inositol polyphosphate-5-phosphatase E; minus strand). Cytogenetic location: 9q34.3.
Variant type: single nucleotide variant.
Coding change: c.66G>C on transcript NM_019892.6 (MANE Select); coding-DNA position 66, G replaced by C.
Protein change: p.Thr22=; no amino-acid change (threonine 22 retained).
Molecular consequence: synonymous variant.
Genome position (GRCh38, 1-based): chr9:136,439,354, C>G on the plus strand (G>C on the coding strand, the complement: INPP5E is on the minus strand). VCF-style: chr9-136439354-C-G. GRCh37 (hg19) VCF-style: chr9-139333806-C-G.
Other names: c.66G>C, p.Thr22= (NM_001318502.2).
Identifiers: ClinVar variation 3357937 (VCV003357937.1).
Genomic context (GRCh38, chr9:136,439,354, plus strand): 5'-AGCATCGGGTGGGGACCCCGCGCGCTGGGCCGGCGGAGCGCCGGGAAGCTGTCCTTGGAG[C>G]GTCCTCCCTTCCGGCGGCTGCGGGGCCGGCTCGGAGGGCCGCAGATTCTCCGCCTTGGAC-3'
Protein context (NP_063945.2, residues 12-32): EPAPQPPEGR[Thr22=]LQGQLPGAPP

ClinVar aggregate classification (germline): Likely benign (0 of 4 stars; one submission).

Conditions:
INPP5E-related disorder. Also called: INPP5E-related condition.

gnomAD v4.1: 5 of 1,441,418 alleles (0.00035%); highest among the groups gnomAD compares: Non-Finnish European, 0.00045%; no homozygotes.

Submission:

PreventionGenetics, part of Exact Sciences
Classification: Likely benign for INPP5E-related condition. Last evaluated: 2021-07-30. Review status: no assertion criteria provided. Collection method: clinical testing. Allele origin: germline.
Comment: This variant is classified as likely benign based on ACMG/AMP sequence variant interpretation guidelines (Richards et al. 2015 PMID: 25741868, with internal and published modifications).